The following is an entry in ClinVar:

ClinVar aggregate classification (germline): Conflicting classifications of pathogenicity. Review status: criteria provided, conflicting classifications (1 of 4 stars). 5 submissions from 5 submitters: Uncertain significance (2); Benign (1); Likely benign (2). Last evaluated 2026-10-14.

Conditions:
Early-onset Parkinson disease 20. Also called: PARKINSON DISEASE 20, AUTOSOMAL RECESSIVE EARLY-ONSET. Identifiers: Orphanet 391411, MedGen C3809824, MONDO:0014233, OMIM 615530.
Developmental and epileptic encephalopathy, 53. Also called: Epileptic encephalopathy, early infantile, 53. Identifiers: MedGen C4479313, MONDO:0033362, OMIM 617389.

Allele frequency attached by ClinVar (database versions not stated): 1000 Genomes Project 30x 0.00016; 1000 Genomes Project 0.00020; gnomAD 0.00074 and 0.00076; TOPMed 0.00076; gnomAD exomes 0.00089 and 0.00141; ExAC 0.00099; ESP Exome Variant Server 0.00169.
gnomAD v4.1: 2,180 of 1,610,828 alleles (0.14%); highest among the groups gnomAD compares: Non-Finnish European, 0.17%; 3 homozygotes.

Submissions (5):

GeneDx
Classification: Uncertain significance. Last evaluated: 2026-10-14. Review status: criteria provided, single submitter. Criteria: GeneDx Variant Classification Process June 2021. Collection method: clinical testing. Allele origin: germline.
Comment: In silico analysis supports that this missense variant has a deleterious effect on protein structure/function; Has not been previously published as pathogenic or benign to our knowledge; This variant is associated with the following publications: (PMID: 31592138)

CeGaT Center for Human Genetics Tuebingen
Classification: Likely benign. Last evaluated: 2026-07-01. Review status: criteria provided, single submitter. Criteria: CeGaT Center For Human Genetics Tuebingen Variant Classification Criteria Version 2. Collection method: clinical testing. Allele origin: germline. Affected: yes. Observed: 7 variant alleles.
Comment: SYNJ1: PP3, BS2

Labcorp Genetics (formerly Invitae), Labcorp
Classification: Likely benign for Developmental and epileptic encephalopathy, 53; Early-onset Parkinson disease 20. Last evaluated: 2026-02-03. Review status: criteria provided, single submitter. Criteria: Invitae Variant Classification Sherloc (09022015). Collection method: clinical testing. Allele origin: germline.

Blueprint Genetics
Classification: Uncertain significance. Last evaluated: 2024-11-26. Review status: criteria provided, single submitter. Criteria: ACMG Guidelines, 2015. Collection method: clinical testing. Allele origin: germline.

Mayo Clinic Laboratories, Mayo Clinic
Classification: Benign. Last evaluated: 2024-09-25. Review status: criteria provided, single submitter. Criteria: ACMG Guidelines, 2015. Collection method: clinical testing. Allele origin: germline. Observed: 1 variant allele.
Comment: BS1, BS2

Literature cited by the submitters: PubMed 31592138 (cited by Mayo Clinic Laboratories, Mayo Clinic).

NM_203446.3(SYNJ1):c.2120T>C (p.Ile707Thr)

Gene: SYNJ1 (synaptojanin 1; minus strand). Cytogenetic location: 21q22.11.
Variant type: single nucleotide variant.
Coding change: c.2120T>C on transcript NM_203446.3 (MANE Select); coding-DNA position 2120, T replaced by C.
Protein change: p.Ile707Thr; replaces isoleucine 707 with threonine.
Molecular consequence: missense variant.
Genome position (GRCh38, 1-based): chr21:32,665,968, A>G on the plus strand (T>C on the coding strand, the complement: SYNJ1 is on the minus strand). VCF-style: chr21-32665968-A-G. GRCh37 (hg19) VCF-style: chr21-34038278-A-G.
Other names: p.Ile746Thr; c.2120T>C, p.Ile707Thr (NM_001160302.2); c.2105T>C, p.Ile702Thr (NM_001160306.2); c.2237T>C, p.Ile746Thr (NM_003895.4); short protein forms I746T, I707T, I702T.
Identifiers: ClinVar variation 544560 (VCV000544560.51), dbSNP rs147929290, ClinGen allele CA10003744.